The following is an entry in ClinVar:

ClinVar aggregate classification (germline): Uncertain significance. Review status: criteria provided, multiple submitters, no conflicts (2 of 4 stars). 2 submissions from 2 submitters: Uncertain significance (2). Last evaluated 2026-03-26.

Conditions:
Hereditary cancer-predisposing syndrome. Also called: Hereditary neoplastic syndrome; Neoplastic Syndromes, Hereditary; Tumor predisposition; Hereditary Cancer Syndrome. Identifiers: Orphanet 140162, MedGen C0027672, MeSH D009386, MONDO:0015356.
Bloom syndrome (BLM). Also called: Bloom-Torre-Machacek syndrome. Identifiers: Orphanet 125, MedGen C0005859, MONDO:0008876, OMIM 210900.

Submissions (2):

Ambry Genetics
Classification: Uncertain significance for Hereditary cancer-predisposing syndrome. Last evaluated: 2026-03-26. Review status: criteria provided, single submitter. Criteria: Ambry Variant Classification Scheme 2023. Collection method: clinical testing. Allele origin: germline.
Comment: The p.N45D variant (also known as c.133A>G), located in coding exon 2 of the BLM gene, results from an A to G substitution at nucleotide position 133. The asparagine at codon 45 is replaced by aspartic acid, an amino acid with highly similar properties. This amino acid position is conserved. In addition, this alteration is predicted to be tolerated by in silico analysis. Based on the available evidence, the clinical significance of this variant remains unclear.

Labcorp Genetics (formerly Invitae), Labcorp
Classification: Uncertain significance for Bloom syndrome. Last evaluated: 2023-05-05. Review status: criteria provided, single submitter. Criteria: Invitae Variant Classification Sherloc (09022015). Collection method: clinical testing. Allele origin: germline.
Comment: In summary, the available evidence is currently insufficient to determine the role of this variant in disease. Therefore, it has been classified as a Variant of Uncertain Significance. An algorithm developed to predict the effect of missense changes on protein structure and function (PolyPhen-2) suggests that this variant is likely to be tolerated. This variant has not been reported in the literature in individuals affected with BLM-related conditions. This variant is not present in population databases (gnomAD no frequency). This sequence change replaces asparagine, which is neutral and polar, with aspartic acid, which is acidic and polar, at codon 45 of the BLM protein (p.Asn45Asp).

NM_000057.4(BLM):c.133A>G (p.Asn45Asp)

Gene: BLM (BLM RecQ like helicase; plus strand). Cytogenetic location: 15q26.1.
Variant type: single nucleotide variant.
Coding change: c.133A>G on transcript NM_000057.4 (MANE Select); coding-DNA position 133, A replaced by G.
Protein change: p.Asn45Asp; replaces asparagine 45 with aspartic acid.
Molecular consequence: missense variant. On other transcripts: 5 prime UTR variant (1).
Genome position (GRCh38, 1-based): chr15:90,749,401, A>G. VCF-style: chr15-90749401-A-G. GRCh37 (hg19) VCF-style: chr15-91292631-A-G.
Other names: c.133A>G, p.Asn45Asp (NM_001287246.2, NM_001287247.2); c.-1159A>G (NM_001287248.2); short protein forms N45D.
Identifiers: ClinVar variation 2862097 (VCV002862097.4), dbSNP rs2505390218, ClinGen allele CA393839413.